The following is an entry in ClinVar:

Conditions:
Arteriohepatic dysplasia. Also called: Alagille Syndrome. Identifiers: Orphanet 52, MedGen C0085280, MeSH D016738, MONDO:0007318.

Submission:

Gilbert/Spinner Lab, Children's Hospital of Philadelphia
No classification provided (evidence only). Condition: Alagille syndrome. Review status: no classification provided. Collection method: research. Allele origin: not applicable. Functional consequence: functionally_abnormal.
ClinVar note: "not provided" was previously submitted as the classification for the variant. However, the classification appeared to be based only on an observation of functional data so it was converted to no classification on 2025-07-30.

NM_000214.3(JAG1):c.559T>A (p.Cys187Ser)

Gene: JAG1 (jagged canonical Notch ligand 1; minus strand). Cytogenetic location: 20p12.2.
Variant type: single nucleotide variant.
Coding change: c.559T>A on transcript NM_000214.3 (MANE Select); coding-DNA position 559, T replaced by A.
Protein change: p.Cys187Ser; replaces cysteine 187 with serine.
Molecular consequence: missense variant.
Genome position (GRCh38, 1-based): chr20:10,658,603, A>T on the plus strand (T>A on the coding strand, the complement: JAG1 is on the minus strand). VCF-style: chr20-10658603-A-T. GRCh37 (hg19) VCF-style: chr20-10639251-A-T.
Other names: short protein forms C187S.
Identifiers: ClinVar variation 3573065 (VCV003573065.2).